The following is an entry in ClinVar:

ClinVar aggregate classification (germline): Likely benign (1 of 4 stars; one submission).

Submission:

GeneDx
Classification: Likely benign. Last evaluated: 2020-05-19. Review status: criteria provided, single submitter. Criteria: GeneDx Variant Classification Process June 2021. Collection method: clinical testing. Allele origin: germline. Affected: yes.
Comment: See Variant Classification Assertion Criteria.

NM_003919.3(SGCE):c.1254-33del

Genes: CASD1 (CAS1 domain containing 1; plus strand), SGCE (sarcoglycan epsilon; minus strand). Cytogenetic location: 7q21.3.
Variant type: Deletion.
Coding change: c.1254-33del on transcript NM_003919.3 (MANE Select); 33 bases into the intron before coding-DNA position 1254, one base deleted (A; older notation c.1254-33delA).
Molecular consequence: intron variant.
Genome position (GRCh38, 1-based): chr7:94,588,765, T deleted on the plus strand (A on the coding strand, the reverse complement: SGCE is on the minus strand); the first of 3 consecutive T bases (chr7:94,588,765-94,588,767); deleting any one gives the same sequence. VCF-style (leftmost placement, unchanged base first): chr7-94588764-GT-G. GRCh37 (hg19) VCF-style: chr7-94218076-GT-G.
Other names: c.1104-33del (NM_001362809.2); c.1131-33del (NM_001301139.2); c.1227-33del (NM_001346717.2, NM_001099400.2); c.1329-33del (NM_001099401.2); c.1335-33del (NM_001346715.2); c.1362-33del (NM_001346713.2); c.1140-33del (NM_001362807.2); c.954-33del (NM_001362808.2); and 2 more.
Identifiers: ClinVar variation 1708630 (VCV001708630.2), dbSNP rs200926149, ClinGen allele CA4348581.